The following is an entry in ClinVar:

ClinVar aggregate classification (germline): Uncertain significance (1 of 4 stars; one submission).

Conditions:
Polyhydramnios, megalencephaly, and symptomatic epilepsy (PMSE). Also called: PMSE SYNDROME. Identifiers: Orphanet 500533, MedGen C1970203, MONDO:0012611, OMIM 611087.

Submission:

Labcorp Genetics (formerly Invitae), Labcorp
Classification: Uncertain significance for Polyhydramnios, megalencephaly, and symptomatic epilepsy. Last evaluated: 2022-04-19. Review status: criteria provided, single submitter. Criteria: Invitae Variant Classification Sherloc (09022015). Collection method: clinical testing. Allele origin: germline.
Comment: In summary, the available evidence is currently insufficient to determine the role of this variant in disease. Therefore, it has been classified as a Variant of Uncertain Significance. This variant has not been reported in the literature in individuals affected with STRADA-related conditions. This variant is not present in population databases (gnomAD no frequency). This sequence change creates a premature translational stop signal (p.Pro364Argfs*11) in the STRADA gene. While this is not anticipated to result in nonsense mediated decay, it is expected to disrupt the last 68 amino acid(s) of the STRADA protein.

NM_001003787.4(STRADA):c.1091del (p.Pro364fs)

Gene: STRADA (STE20 related adaptor alpha; minus strand). Cytogenetic location: 17q23.3.
Variant type: Deletion.
Coding change: c.1091del on transcript NM_001003787.4 (MANE Select); coding-DNA position 1091, one base deleted (C; older notation c.1091delC).
Protein change: p.Pro364fs; shifts the reading frame from proline 364.
Molecular consequence: frameshift variant. On other transcripts: non-coding transcript variant (1), intron variant (6).
Genome position (GRCh38, 1-based): chr17:63,704,350, G deleted on the plus strand (C on the coding strand, the reverse complement: STRADA is on the minus strand); the first of 3 consecutive G bases (chr17:63,704,350-63,704,352); deleting any one gives the same sequence. VCF-style (leftmost placement, unchanged base first): chr17-63704349-CG-C. GRCh37 (hg19) VCF-style: chr17-61781709-CG-C.
Other names: c.980del, p.Pro327fs (NM_001003786.3, NM_153335.6); c.917del, p.Pro306fs (NM_001003788.3); c.1067del, p.Pro356fs (NM_001363786.1); c.1004del, p.Pro335fs (NM_001363787.1); c.*527delC (NM_001411083.1, NM_001411084.1); c.*538delC (NM_001411085.1); c.898+82del (NM_001363789.1); c.835+82del (NM_001363790.1, NM_001363791.1); and 3 more; short protein forms P306fs, P364fs, P356fs, P327fs, P335fs.
Identifiers: ClinVar variation 2128101 (VCV002128101.4), dbSNP rs1362190653, ClinGen allele CA773994626.